The following is an entry in ClinVar:

ClinVar aggregate classification (germline): Likely benign. Review status: criteria provided, multiple submitters, no conflicts (2 of 4 stars). 4 submissions from 4 submitters: Likely benign (2). 2 of the submissions do not count toward it. Last evaluated 2022-03-23.

Conditions:
Polycystic kidney disease. Also called: Kidney, Polycystic; Polycystic kidney dysplasia. Identifiers: MedGen C0022680, MeSH D007690, MONDO:0020642, HP:0000113.
PKD1-related disorder. Also called: PKD1-related condition.
Polycystic kidney disease, adult type (PKD1). Also called: Polycystic Kidney Disease 1, Autosomal Dominant; Polycystic kidney disease 1; Polycystic kidney disease 1, severe; POLYCYSTIC KIDNEY DISEASE 1 WITH OR WITHOUT POLYCYSTIC LIVER DISEASE; POLYCYSTIC KIDNEY DISEASE, ADULT, TYPE I; Polycystic Kidney, Autosomal Dominant. Identifiers: MedGen C3149841, MONDO:0008263, OMIM 173900.

Allele frequency attached by ClinVar (database versions not stated): ExAC 0.00001; gnomAD exomes 0.00004 and 0.00005; TOPMed 0.00006.
gnomAD v4.1: 88 of 1,598,496 alleles (0.0055%); highest among the groups gnomAD compares: Middle Eastern, 0.02%; no homozygotes.

Submissions (4):

Blueprint Genetics
Classification: Likely benign. Last evaluated: 2022-03-23. Review status: criteria provided, single submitter. Criteria: ACMG Guidelines, 2015. Collection method: clinical testing. Allele origin: germline.

Fulgent Genetics
Classification: Likely benign for Polycystic kidney disease, adult type. Last evaluated: 2021-09-13. Review status: criteria provided, single submitter. Criteria: ACMG Guidelines, 2015. Collection method: clinical testing. Allele origin: unknown.

PreventionGenetics, part of Exact Sciences
Classification: Likely benign for PKD1-related condition. Last evaluated: 2022-09-03. Review status: no assertion criteria provided. Collection method: clinical testing. Allele origin: germline. Not counted in ClinVar's aggregate classification.
Comment: This variant is classified as likely benign based on ACMG/AMP sequence variant interpretation guidelines (Richards et al. 2015 PMID: 25741868, with internal and published modifications).

Department of Pathology and Laboratory Medicine, Sinai Health System
Classification: Likely benign for Polycystic Kidney disease. Review status: no assertion criteria provided. Collection method: clinical testing. Allele origin: unknown. Affected: yes. Study: The Canadian Open Genetics Repository (COGR). Not counted in ClinVar's aggregate classification.
Comment: The PKD1 p.Arg1995= variant was not identified in the literature nor was it identified in the ClinVar, GeneInsight-COGR, LOVD 3.0, ADPKD Mutation and PKD1-LOVD, databases. The variant was identified in dbSNP (ID: rs556708086) as â€šÃ„ÃºNAâ€šÃ„Ã¹. The variant was identified in control databases in 14 of 267366 chromosomes at a frequency of 0.00005 (Genome Aggregation Database Feb 27, 2017). Breakdown of the observations by population include Latino in 1 of 34264 chromosomes (freq: 0.00003), European Non-Finnish in 12 of 121628 chromosomes (freq: 0.0001), East Asian in 1 of 18676 chromosomes (freq: 0.00005), while the variant was not observed in the African, Other, Ashkenazi Jewish, European Finnish, and South Asian populations. In addition we cannot be certain that data from control databases is specific to PKD1 and not from one of the six PKD1 pseudogenes. The c.5985C>T variant is not expected to have clinical significance because it does not result in a change of amino acid and is not located in a known consensus splice site. In addition, in silico or computational prediction software programs (SpliceSiteFinder, MaxEntScan, NNSPLICE, GeneSplicer, HumanSpliceFinder) do not predict a difference in splicing. In summary, based on the above information the clinical significance of this variant cannot be determined with certainty at this time although we would lean towards a more benign role for this variant. This variant is classified as likely benign.

NM_001009944.3(PKD1):c.5985C>T (p.Arg1995=)

Gene: PKD1 (polycystin 1, transient receptor potential channel interacting; minus strand). Cytogenetic location: 16p13.3.
Variant type: single nucleotide variant.
Coding change: c.5985C>T on transcript NM_001009944.3 (MANE Select); coding-DNA position 5985, C replaced by T.
Protein change: p.Arg1995=; no amino-acid change (arginine 1995 retained).
Molecular consequence: synonymous variant.
Genome position (GRCh38, 1-based): chr16:2,109,182, G>A on the plus strand (C>T on the coding strand, the complement: PKD1 is on the minus strand). VCF-style: chr16-2109182-G-A. GRCh37 (hg19) VCF-style: chr16-2159183-G-A.
Other names: c.5985C>T (NM_001009944.2); c.5985C>T, p.Arg1995= (NM_000296.4).
Identifiers: ClinVar variation 997325 (VCV000997325.5), dbSNP rs556708086, ClinGen allele CA7831773.